The following is an entry in ClinVar:

ClinVar aggregate classification (germline): Pathogenic (1 of 4 stars; one submission).

Conditions:
Carnitine acylcarnitine translocase deficiency (CACTD). Identifiers: Orphanet 159, MedGen C0342791, MONDO:0008918, OMIM 212138.

Submission:

Labcorp Genetics (formerly Invitae), Labcorp
Classification: Pathogenic for Carnitine acylcarnitine translocase deficiency. Last evaluated: 2023-12-23. Review status: criteria provided, single submitter. Criteria: Invitae Variant Classification Sherloc (09022015). Collection method: clinical testing. Allele origin: germline.
Comment: This sequence change creates a premature translational stop signal (p.Thr172Lysfs*19) in the SLC25A20 gene. It is expected to result in an absent or disrupted protein product. Loss-of-function variants in SLC25A20 are known to be pathogenic (PMID: 25614308). This variant is not present in population databases (gnomAD no frequency). This variant has not been reported in the literature in individuals affected with SLC25A20-related conditions. For these reasons, this variant has been classified as Pathogenic.

Literature cited by the submitters: PubMed 25614308.

NM_000387.6(SLC25A20):c.510_514dup (p.Thr172fs)

Gene: SLC25A20 (solute carrier family 25 member 20; minus strand). Cytogenetic location: 3p21.31.
Variant type: Duplication.
Coding change: c.510_514dup on transcript NM_000387.6 (MANE Select); coding-DNA positions 510 to 514, 5 bases duplicated (AGGGA; older notation c.510_514dupAGGGA).
Protein change: p.Thr172fs; shifts the reading frame from threonine 172.
Molecular consequence: frameshift variant.
Genome position (GRCh38, 1-based): chr3:48,862,563-48,862,567, TCCCT duplicated on the plus strand (AGGGA on the coding strand, the reverse complement: SLC25A20 is on the minus strand); duplicating any 5 consecutive bases within chr3:48,862,563-48,862,568 gives the same sequence; the c. name uses the placement nearest the transcript's 3' end. VCF-style (leftmost placement, unchanged base first): chr3-48862562-G-GTCCCT. GRCh37 (hg19) VCF-style: chr3-48899995-G-GTCCCT.
Other names: short protein forms T172fs.
Identifiers: ClinVar variation 2705051 (VCV002705051.3), dbSNP rs2471007479, ClinGen allele CA2665662040.
Genomic context (GRCh38, chr3:48,862,562, plus strand): 5'-ACCTCCCCAGGTGACCTCAAGTGGAGGCCTGAAAGGTTACCTCGCATAAGGGTAAGCACA[G>GTCCCT]TCCCTTTGTAGATGCCTCGGATCCCAAACTCCTGGTACAGCTTCTTTGCACAGTCCAAGG-3'